The following is an entry in ClinVar:

NM_014049.5(ACAD9):c.391A>T (p.Ile131Phe)

Gene: ACAD9 (acyl-CoA dehydrogenase family member 9; plus strand). Cytogenetic location: 3q21.3.
Variant type: single nucleotide variant.
Coding change: c.391A>T on transcript NM_014049.5 (MANE Select); coding-DNA position 391, A replaced by T.
Protein change: p.Ile131Phe; replaces isoleucine 131 with phenylalanine.
Molecular consequence: missense variant. On other transcripts: non-coding transcript variant (1).
Genome position (GRCh38, 1-based): chr3:128,895,354, A>T. VCF-style: chr3-128895354-A-T. GRCh37 (hg19) VCF-style: chr3-128614197-A-T.
Other names: c.22A>T, p.Ile8Phe (NM_001410805.1); short protein forms I8F, I131F.
Identifiers: ClinVar variation 1967153 (VCV001967153.5), dbSNP rs1189211170, ClinGen allele CA354433147.

ClinVar aggregate classification (germline): Uncertain significance (1 of 4 stars; one submission).

Allele frequency attached by ClinVar (database versions not stated): gnomAD 0.00001; TOPMed 0.00001.

Submission:

Labcorp Genetics (formerly Invitae), Labcorp
Classification: Uncertain significance. Last evaluated: 2022-05-12. Review status: criteria provided, single submitter. Criteria: Invitae Variant Classification Sherloc (09022015). Collection method: clinical testing. Allele origin: germline.
Comment: In summary, the available evidence is currently insufficient to determine the role of this variant in disease. Therefore, it has been classified as a Variant of Uncertain Significance. Advanced modeling of protein sequence and biophysical properties (such as structural, functional, and spatial information, amino acid conservation, physicochemical variation, residue mobility, and thermodynamic stability) performed at Invitae indicates that this missense variant is expected to disrupt ACAD9 protein function. This variant has not been reported in the literature in individuals affected with ACAD9-related conditions. This variant is not present in population databases (gnomAD no frequency). This sequence change replaces isoleucine, which is neutral and non-polar, with phenylalanine, which is neutral and non-polar, at codon 131 of the ACAD9 protein (p.Ile131Phe).